The following is an entry in ClinVar:

ClinVar aggregate classification (germline): Uncertain significance (1 of 4 stars; one submission).

Allele frequency attached by ClinVar (database versions not stated): TOPMed below 0.00001; gnomAD 0.00001; ExAC 0.00002; gnomAD exomes 0.00003.
gnomAD v4.1: 42 of 1,612,658 alleles (0.0026%); highest among the groups gnomAD compares: Non-Finnish European, 0.0036%; no homozygotes.

Submission:

Labcorp Genetics (formerly Invitae), Labcorp
Classification: Uncertain significance. Last evaluated: 2022-04-04. Review status: criteria provided, single submitter. Criteria: Invitae Variant Classification Sherloc (09022015). Collection method: clinical testing. Allele origin: germline.
Comment: In summary, the available evidence is currently insufficient to determine the role of this variant in disease. Therefore, it has been classified as a Variant of Uncertain Significance. Algorithms developed to predict the effect of sequence changes on RNA splicing suggest that this variant may create or strengthen a splice site. This variant has not been reported in the literature in individuals affected with EXOSC2-related conditions. This variant is present in population databases (rs767300345, gnomAD 0.003%). This sequence change falls in intron 7 of the EXOSC2 gene. It does not directly change the encoded amino acid sequence of the EXOSC2 protein.

NM_014285.7(EXOSC2):c.673-5T>G

Gene: EXOSC2 (exosome component 2; plus strand). Cytogenetic location: 9q34.12.
Variant type: single nucleotide variant.
Coding change: c.673-5T>G on transcript NM_014285.7 (MANE Select); 5 bases into the intron before coding-DNA position 673, T replaced by G.
Molecular consequence: intron variant.
Genome position (GRCh38, 1-based): chr9:130,703,048, T>G. VCF-style: chr9-130703048-T-G. GRCh37 (hg19) VCF-style: chr9-133578435-T-G.
Other names: c.595-5T>G (NM_001282708.1); c.583-5T>G (NM_001282709.1).
Identifiers: ClinVar variation 2094156 (VCV002094156.4), dbSNP rs767300345, ClinGen allele CA5284953.